The following is an entry in ClinVar:

ClinVar aggregate classification (germline): Conflicting classifications of pathogenicity. Review status: criteria provided, conflicting classifications (1 of 4 stars). 2 submissions from 2 submitters: Uncertain significance (1); Likely benign (1). Last evaluated 2025-06-18.

Conditions:
Inborn genetic diseases. Identifiers: MedGen C0950123, MeSH D030342.
Immunodeficiency 104. Also called: SCID, AUTOSOMAL RECESSIVE, T CELL-NEGATIVE, B CELL-POSITIVE, NK CELL-POSITIVE; Severe Combined Immune Deficiency, Autosomal Recessive, TCell -Negative, B Cell-Positive, NK Cell-Positive, IL7R-Related; IMMUNODEFICIENCY 104, SEVERE COMBINED; Severe combined immunodeficiency, autosomal recessive, T cell-negative, B cell-positive, NK cell-positive. Identifiers: MedGen C5676890, MONDO:0012163, OMIM 608971.

Allele frequency attached by ClinVar (database versions not stated): gnomAD exomes 0.00001 and 0.00003; ExAC 0.00005.
gnomAD v4.1: 8 of 1,613,574 alleles (0.0005%); highest among the groups gnomAD compares: South Asian, 0.0033%; no homozygotes.

Submissions (2):

Ambry Genetics
Classification: Likely benign for Inborn genetic diseases. Last evaluated: 2025-06-18. Review status: criteria provided, single submitter. Criteria: Ambry Variant Classification Scheme 2023. Collection method: clinical testing. Allele origin: germline.

Labcorp Genetics (formerly Invitae), Labcorp
Classification: Uncertain significance for Immunodeficiency 104. Last evaluated: 2021-11-14. Review status: criteria provided, single submitter. Criteria: Invitae Variant Classification Sherloc (09022015). Collection method: clinical testing. Allele origin: germline.
Comment: This sequence change replaces valine, which is neutral and non-polar, with isoleucine, which is neutral and non-polar, at codon 493 of the PTPRC protein (p.Val493Ile). This variant is present in population databases (rs545961977, gnomAD 0.01%). This variant has not been reported in the literature in individuals affected with PTPRC-related conditions. ClinVar contains an entry for this variant (Variation ID: 949955). Algorithms developed to predict the effect of missense changes on protein structure and function output the following: SIFT: "Tolerated"; PolyPhen-2: "Benign"; Align-GVGD: "Class C0". The isoleucine amino acid residue is found in multiple mammalian species, which suggests that this missense change does not adversely affect protein function. In summary, the available evidence is currently insufficient to determine the role of this variant in disease. Therefore, it has been classified as a Variant of Uncertain Significance.

NM_002838.5(PTPRC):c.1477G>A (p.Val493Ile)

Gene: PTPRC (protein tyrosine phosphatase receptor type C; plus strand). Cytogenetic location: 1q32.1.
Variant type: single nucleotide variant.
Coding change: c.1477G>A on transcript NM_002838.5 (MANE Select); coding-DNA position 1477, G replaced by A.
Protein change: p.Val493Ile; replaces valine 493 with isoleucine.
Molecular consequence: missense variant.
Genome position (GRCh38, 1-based): chr1:198,718,120, G>A. VCF-style: chr1-198718120-G-A. GRCh37 (hg19) VCF-style: chr1-198687249-G-A.
Other names: c.994G>A, p.Val332Ile (NM_080921.4); c.1471G>A (NM_002838.3); short protein forms V493I, V332I.
Identifiers: ClinVar variation 949955 (VCV000949955.6), dbSNP rs545961977, ClinGen allele CA1314812.